The following is an entry in ClinVar:

NC_000004.12:g.17482420A>G

Variant type: single nucleotide variant.
Genome position: GRCh38 VCF-style: chr4-17482420-A-G. GRCh37 (hg19) VCF-style: chr4-17484043-A-G.
Identifiers: ClinVar variation 2500846 (VCV002500846.1), dbSNP rs1167539604, ClinGen allele CA549901248.

ClinVar aggregate classification (germline): Uncertain significance (1 of 4 stars; one submission).

Conditions:
Dihydropteridine reductase deficiency (HPABH4C). Also called: BH4-Deficient Hyperphenylalaninemia C; HYPERPHENYLALANINEMIA, TETRAHYDROBIOPTERIN-DEFICIENT, DUE TO DHPR DEFICIENCY; QDPR DEFICIENCY; QUINOID DIHYDROPTERIDINE REDUCTASE DEFICIENCY; Phenylketonuria II; Hyperphenylalaninemia due to dihydropteridine reductase deficiency. Identifiers: Orphanet 226, Orphanet 238583, MedGen C0268465, MONDO:0009862, OMIM 261630.

Submission:

Broad Center for Mendelian Genomics, Broad Institute of MIT and Harvard
Classification: Uncertain significance for Dihydropteridine reductase deficiency. Last evaluated: 2023-05-02. Review status: criteria provided, single submitter. Criteria: ACMG Guidelines, 2015. Collection method: curation. Allele origin: germline. Inheritance: Autosomal recessive inheritance.
Comment: The phenotype of this individual homozygous for this variant is highly specific for dihydropteridine reductase deficiency based on the absent DHPR activity observed (PMID: 33903016). The c.*119+4759T>C variant in QDPR has not been previously reported in individuals with dihydropteridine reductase deficiency, but has been identified in 0.02% (13/68032) of European (non-Finnish) chromosomes by the Genome Aggregation Database (gnomAD; dbSNP ID: rs1167539604). Although this variant has been seen in the general population in a heterozygous state, its frequency is not high enough to rule out a pathogenic role. The affected individual with this variant had an alternate molecular basis for the disease (dihydropteridine reductase deficiency) (PMID: 32022462, ClinVar Variation ID: 626310), suggesting that this variant may not be pathogenic. Computational prediction tools, including splice predictors, and conservation analyses suggest that this variant may not impact the protein, though this information is not predictive enough to rule out pathogenicity. In summary, the clinical significance of the c.*119+4759T>C variant is uncertain. ACMG/AMP Criteria applied: PM3_Supporting, PP4, BP4, BP5 (Richards 2015).